The following is an entry in ClinVar:

NM_000059.4(BRCA2):c.3346A>G (p.Thr1116Ala)

Gene: BRCA2 (BRCA2 DNA repair associated; plus strand). Cytogenetic location: 13q13.1.
Variant type: single nucleotide variant.
Coding change: c.3346A>G on transcript NM_000059.4 (MANE Select); coding-DNA position 3346, A replaced by G.
Protein change: p.Thr1116Ala; replaces threonine 1116 with alanine.
Molecular consequence: missense variant.
Genome position (GRCh38, 1-based): chr13:32,337,701, A>G. VCF-style: chr13-32337701-A-G. GRCh37 (hg19) VCF-style: chr13-32911838-A-G.
Other names: short protein forms T1116A.
Identifiers: ClinVar variation 188320 (VCV000188320.19), dbSNP rs786204212, ClinGen allele CA017810.
Genomic context (GRCh38, chr13:32,337,701, plus strand): 5'-GATTTTAATTCAAACCATAATTTAACACCTAGCCAAAAGGCAGAAATTACAGAACTTTCT[A>G]CTATATTAGAAGAATCAGGAAGTCAGTTTGAATTTACTCAGTTTAGAAAACCAAGCTACA-3'
Protein context (NP_000050.3, residues 1106-1126): SQKAEITELS[Thr1116Ala]ILEESGSQFE

ClinVar aggregate classification (germline): Conflicting classifications of pathogenicity. Review status: criteria provided, conflicting classifications (1 of 4 stars). 4 submissions from 4 submitters: Uncertain significance (3); Likely benign (1). Last evaluated 2025-10-08.

Conditions:
Hereditary cancer-predisposing syndrome. Also called: Neoplastic Syndromes, Hereditary; Tumor predisposition; Hereditary Cancer Syndrome; Hereditary neoplastic syndrome. Identifiers: Orphanet 140162, MedGen C0027672, MeSH D009386, MONDO:0015356.
Hereditary breast ovarian cancer syndrome. Also called: Hereditary breast and ovarian cancer; Hereditary breast and/or ovarian cancer syndrome; BRCA1- and BRCA2-Associated Hereditary Breast and Ovarian Cancer; Hereditary breast and ovarian cancer syndrome (HBOC); Hereditary breast and ovarian cancer syndrome; Breast and ovarian cancer. Identifiers: Orphanet 145, MedGen C0677776, MeSH D061325, MONDO:0003582. Disease mechanism: loss of function.

Submissions (4):

Ambry Genetics
Classification: Uncertain significance for Hereditary cancer-predisposing syndrome. Last evaluated: 2025-10-08. Review status: criteria provided, single submitter. Criteria: Ambry Variant Classification Scheme 2023. Collection method: clinical testing. Allele origin: germline.
Comment: The p.T1116A variant (also known as c.3346A>G), located in coding exon 10 of the BRCA2 gene, results from an A to G substitution at nucleotide position 3346. The threonine at codon 1116 is replaced by alanine, an amino acid with similar properties. This amino acid position is not well conserved in available vertebrate species. In addition, this alteration is predicted to be tolerated by in silico analysis. Since supporting evidence is limited at this time, the clinical significance of this alteration remains unclear.

Labcorp Genetics (formerly Invitae), Labcorp
Classification: Uncertain significance for Hereditary breast ovarian cancer syndrome. Last evaluated: 2025-02-12. Review status: criteria provided, single submitter. Criteria: Invitae Variant Classification Sherloc (09022015). Collection method: clinical testing. Allele origin: germline.
Comment: This sequence change replaces threonine, which is neutral and polar, with alanine, which is neutral and non-polar, at codon 1116 of the BRCA2 protein (p.Thr1116Ala). This variant is not present in population databases (gnomAD no frequency). This variant has not been reported in the literature in individuals affected with BRCA2-related conditions. ClinVar contains an entry for this variant (Variation ID: 188320). Invitae Evidence Modeling of protein sequence and biophysical properties (such as structural, functional, and spatial information, amino acid conservation, physicochemical variation, residue mobility, and thermodynamic stability) indicates that this missense variant is not expected to disrupt BRCA2 protein function with a negative predictive value of 95%. In summary, the available evidence is currently insufficient to determine the role of this variant in disease. Therefore, it has been classified as a Variant of Uncertain Significance.

Color Diagnostics, LLC DBA Color Health
Classification: Uncertain significance for Hereditary cancer-predisposing syndrome. Last evaluated: 2025-02-10. Review status: criteria provided, single submitter. Criteria: ACMG Guidelines, 2015. Collection method: clinical testing. Allele origin: germline.
Comment: This missense variant replaces threonine with alanine at codon 1116 of the BRCA2 protein. Computational prediction suggests that this variant may not impact protein structure and function. To our knowledge, functional studies have not been reported for this variant. This variant has not been reported in individuals affected with BRCA2-related disorders in the literature. This variant has not been identified in the general population by the Genome Aggregation Database (gnomAD). The available evidence is insufficient to determine the role of this variant in disease conclusively. Therefore, this variant is classified as a Variant of Uncertain Significance.

University of Washington Department of Laboratory Medicine, University of Washington
Classification: Likely benign for Hereditary cancer-predisposing syndrome. Last evaluated: 2023-03-23. Review status: criteria provided, single submitter. Criteria: Dines et al. (Genet Med. 2020). Collection method: curation. Allele origin: germline.
Comment: Missense variant in a coldspot region where missense variants are very unlikely to be pathogenic (PMID:31911673).

BRCA2 exon 11 coldspot. Reclassification based on statistical prior probability.